The following is an entry in ClinVar:

NM_001370259.2(MEN1):c.655-1G>A

Gene: MEN1 (menin 1; minus strand). Cytogenetic location: 11q13.1.
Variant type: single nucleotide variant.
Coding change: c.655-1G>A on transcript NM_001370259.2 (MANE Select); the canonical splice acceptor site of the intron before coding-DNA position 655, G replaced by A.
Molecular consequence: splice acceptor variant.
Genome position (GRCh38, 1-based): chr11:64,807,681, C>T on the plus strand (G>A on the coding strand, the complement: MEN1 is on the minus strand). VCF-style: chr11-64807681-C-T. GRCh37 (hg19) VCF-style: chr11-64575153-C-T.
Other names: c.670-1G>A (NM_130803.3, NM_000244.4, NM_130801.3 and 5 more transcripts); c.550-1G>A (NM_001407148.1, NM_001407149.1, NM_001407151.1 and 2 more transcripts); c.655-1G>A (NM_130799.3, NM_001407144.1, NM_001370260.2 and 7 more transcripts).
Identifiers: ClinVar variation 661933 (VCV000661933.11), dbSNP rs1592649615, ClinGen allele CA381185255.

ClinVar aggregate classification (germline): Pathogenic (1 of 4 stars; one submission).

Conditions:
Multiple endocrine neoplasia, type 1 (MEN1). Also called: MEA I; MEN I; WERMER SYNDROME; Endocrine adenomatosis multiple; MEN 1. Identifiers: Orphanet 652, MedGen C0025267, MeSH D018761, MONDO:0007540, OMIM 131100.

Submission:

Labcorp Genetics (formerly Invitae), Labcorp
Classification: Pathogenic for Multiple endocrine neoplasia, type 1. Last evaluated: 2023-12-05. Review status: criteria provided, single submitter. Criteria: Invitae Variant Classification Sherloc (09022015). Collection method: clinical testing. Allele origin: germline.
Comment: This sequence change affects an acceptor splice site in intron 3 of the MEN1 gene. It is expected to disrupt RNA splicing. Variants that disrupt the donor or acceptor splice site typically lead to a loss of protein function (PMID: 16199547), and loss-of-function variants in MEN1 are known to be pathogenic (PMID: 12112656, 17853334). This variant is not present in population databases (gnomAD no frequency). Disruption of this splice site has been observed in individuals with multiple endocrine neoplasia type 1 (PMID: 9709985, 22026581). ClinVar contains an entry for this variant (Variation ID: 661933). Algorithms developed to predict the effect of sequence changes on RNA splicing suggest that this variant may disrupt the consensus splice site. For these reasons, this variant has been classified as Pathogenic.

Literature cited by the submitters: PubMed 16199547; PubMed 12112656; PubMed 17853334; PubMed 9709985; PubMed 22026581.